The following is an entry in ClinVar:

ClinVar aggregate classification (germline): Uncertain significance (1 of 4 stars; one submission).

Conditions:
Hereditary cancer-predisposing syndrome. Also called: Hereditary Cancer Syndrome; Tumor predisposition; Hereditary neoplastic syndrome; Neoplastic Syndromes, Hereditary. Identifiers: Orphanet 140162, MedGen C0027672, MeSH D009386, MONDO:0015356.

Submission:

Labcorp Genetics (formerly Invitae), Labcorp
Classification: Uncertain significance for Hereditary cancer-predisposing syndrome. Last evaluated: 2020-08-09. Review status: criteria provided, single submitter. Criteria: Invitae Variant Classification Sherloc (09022015). Collection method: clinical testing. Allele origin: germline.
Comment: In summary, the available evidence is currently insufficient to determine the role of this variant in disease. Therefore, it has been classified as a Variant of Uncertain Significance. Nucleotide substitutions within the consensus splice site are a relatively common cause of aberrant splicing (PMID: 17576681, 9536098). Algorithms developed to predict the effect of sequence changes on RNA splicing suggest that this variant is not likely to affect RNA splicing, but this prediction has not been confirmed by published transcriptional studies. This variant has not been reported in the literature in individuals with RAD50-related conditions. This variant is not present in population databases (ExAC no frequency). This sequence change falls in intron 12 of the RAD50 gene. It does not directly change the encoded amino acid sequence of the RAD50 protein, but it affects a nucleotide within the consensus splice site of the intron.

Literature cited by the submitters: PubMed 17576681; PubMed 9536098.

NM_005732.4(RAD50):c.1969+4A>G

Gene: RAD50 (RAD50 double strand break repair protein; plus strand). Cytogenetic location: 5q31.1.
Variant type: single nucleotide variant.
Coding change: c.1969+4A>G on transcript NM_005732.4 (MANE Select); 4 bases into the intron after coding-DNA position 1969, A replaced by G.
Molecular consequence: intron variant.
Genome position (GRCh38, 1-based): chr5:132,595,048, A>G. VCF-style: chr5-132595048-A-G. GRCh37 (hg19) VCF-style: chr5-131930740-A-G.
Identifiers: ClinVar variation 1057450 (VCV001057450.7), dbSNP rs2149843797, ClinGen allele CA2499217583.
Genomic context (GRCh38, chr5:132,595,048, plus strand): 5'-TTGAAAGTGATTTAGACAGGCTTAAAGAGGAAATTGAAAAATCATCAAAACAGCGAGGTA[A>G]GTTGTCTACTTTATATTATCAGGATACTTTGACACCTTTGAATTTTCATTCACAGGTAAC-3'